The following is an entry in ClinVar:

ClinVar aggregate classification (germline): Likely pathogenic (1 of 4 stars; one submission).

Conditions:
Primary dilated cardiomyopathy (DCM). Also called: Dilated Cardiomyopathy. Identifiers: Orphanet 217604, MedGen C0007193, MeSH D002311, MONDO:0005021, HP:0001644. Inheritance: Various modes of inheritance.

Submission:

Lildballe Lab, Aarhus University Hospital
Classification: Likely pathogenic for dilated cardiomyopathy. Last evaluated: 2024-03-01. Review status: criteria provided, single submitter. Criteria: ACMG Guidelines, 2015. Collection method: research. Allele origin: germline. Affected: yes.
Comment: PVS1(vs), PM2(sup)

Literature cited by the submitters: PubMed 25741945; PubMed 39481677.

NM_001267550.2(TTN):c.86689_86704del (p.Asn28897fs)

Genes: TTN-AS1 (TTN antisense RNA 1; plus strand), TTN (titin; minus strand). Cytogenetic location: 2q31.2.
Variant type: Deletion.
Coding change: c.86689_86704del on transcript NM_001267550.2 (MANE Select); coding-DNA positions 86689 to 86704, 16 bases deleted (AACAACTGTAACCGCC).
Protein change: p.Asn28897fs; shifts the reading frame from asparagine 28897.
Molecular consequence: frameshift variant.
Genome position (GRCh38, 1-based): chr2:178,559,428-178,559,443, GGCGGTTACAGTTGTT deleted on the plus strand (AACAACTGTAACCGCC on the coding strand, the reverse complement: TTN is on the minus strand); deleting any 16 consecutive bases within chr2:178,559,428-178,559,445 gives the same sequence; the c. name uses the placement nearest the transcript's 3' end. VCF-style (leftmost placement, unchanged base first): chr2-178559427-AGGCGGTTACAGTTGTT-A. GRCh37 (hg19) VCF-style: chr2-179424154-AGGCGGTTACAGTTGTT-A.
Other names: c.81766_81781del, p.Asn27256fs (NM_001256850.1); c.59494_59509del, p.Asn19832fs (NM_003319.4); c.78985_79000del, p.Asn26329fs (NM_133378.4); c.59869_59884del, p.Asn19957fs (NM_133432.3); c.60070_60085del, p.Asn20024fs (NM_133437.4); short protein forms N19832fs, N19957fs, N20024fs, N26329fs, N27256fs, N28897fs.
Identifiers: ClinVar variation 3338360 (VCV003338360.1).